The following is an entry in ClinVar:

ClinVar aggregate classification (germline): Benign/Likely benign. Review status: criteria provided, multiple submitters, no conflicts (2 of 4 stars). 5 submissions from 5 submitters: Benign (1); Likely benign (3). 1 of the submissions does not count toward it. Last evaluated 2025-12-14.

Conditions:
PGK1-related disorder. Also called: PGK1-related condition.
Glycogen storage disease due to phosphoglycerate kinase 1 deficiency. Also called: PHOSPHOGLYCERATE KINASE 1 DEFICIENCY WITH LEVO-DOPA-RESPONSIVE PARKINSONISM; PGK1 DEFICIENCY. Identifiers: Orphanet 713, MedGen C1970848, MONDO:0010392, OMIM 300653.

Allele frequency attached by ClinVar (database versions not stated): gnomAD 0.00001; gnomAD exomes 0.00004; TOPMed 0.00004; ExAC 0.00006; 1000 Genomes Project 30x 0.00021; 1000 Genomes Project 0.00026.
gnomAD v4.1: 51 of 1,206,446 alleles (0.0042%); highest among the groups gnomAD compares: Middle Eastern, 0.12%; no homozygotes.

Submissions (5):

Labcorp Genetics (formerly Invitae), Labcorp
Classification: Benign. Last evaluated: 2025-12-14. Review status: criteria provided, single submitter. Criteria: Invitae Variant Classification Sherloc (09022015). Collection method: clinical testing. Allele origin: germline.

CeGaT Center for Human Genetics Tuebingen
Classification: Likely benign. Last evaluated: 2024-10-01. Review status: criteria provided, single submitter. Criteria: CeGaT Center For Human Genetics Tuebingen Variant Classification Criteria Version 2. Collection method: clinical testing. Allele origin: germline. Affected: yes. Observed: 3 variant alleles.
Comment: PGK1: BP4, BP7, BS2

Blueprint Genetics
Classification: Likely benign. Last evaluated: 2024-07-10. Review status: criteria provided, single submitter. Criteria: ACMG Guidelines, 2015. Collection method: clinical testing. Allele origin: germline.

ARUP Laboratories, Molecular Genetics and Genomics, ARUP Laboratories
Classification: Likely benign for Glycogen storage disease due to phosphoglycerate kinase 1 deficiency. Last evaluated: 2022-11-28. Review status: criteria provided, single submitter. Criteria: ARUP Molecular Germline Variant Investigation Process 2021. Collection method: clinical testing. Allele origin: germline.

PreventionGenetics, part of Exact Sciences
Classification: Likely benign for PGK1-related condition. Last evaluated: 2020-01-10. Review status: no assertion criteria provided. Collection method: clinical testing. Allele origin: germline. Not counted in ClinVar's aggregate classification.
Comment: This variant is classified as likely benign based on ACMG/AMP sequence variant interpretation guidelines (Richards et al. 2015 PMID: 25741868, with internal and published modifications).

NM_000291.4(PGK1):c.1152C>T (p.Asn384=)

Gene: PGK1 (phosphoglycerate kinase 1; plus strand). Cytogenetic location: Xq21.1.
Variant type: single nucleotide variant.
Coding change: c.1152C>T on transcript NM_000291.4 (MANE Select); coding-DNA position 1152, C replaced by T.
Protein change: p.Asn384=; no amino-acid change (asparagine 384 retained).
Molecular consequence: synonymous variant.
Genome position (GRCh38, 1-based): chrX:78,125,364, C>T. VCF-style: chrX-78125364-C-T. GRCh37 (hg19) VCF-style: chrX-77380861-C-T.
Identifiers: ClinVar variation 1895850 (VCV001895850.33), dbSNP rs187714418, ClinGen allele CA10459838.